The following is an entry in ClinVar:

NM_000368.5(TSC1):c.1281T>C (p.Ser427=)

Gene: TSC1 (TSC complex subunit 1; minus strand). Cytogenetic location: 9q34.13.
Variant type: single nucleotide variant.
Coding change: c.1281T>C on transcript NM_000368.5 (MANE Select); coding-DNA position 1281, T replaced by C.
Protein change: p.Ser427=; no amino-acid change (serine 427 retained).
Molecular consequence: synonymous variant. On other transcripts: non-coding transcript variant (5).
Genome position (GRCh38, 1-based): chr9:132,907,353, A>G on the plus strand (T>C on the coding strand, the complement: TSC1 is on the minus strand). VCF-style: chr9-132907353-A-G. GRCh37 (hg19) VCF-style: chr9-135782740-A-G.
Other names: c.1128T>C, p.Ser376= (NM_001406610.1, NM_001162427.2); c.1125T>C, p.Ser375= (NM_001406611.1, NM_001406612.1, NM_001406613.1); c.918T>C, p.Ser306= (NM_001406614.1, NM_001406615.1, NM_001406616.1 and 5 more transcripts); c.915T>C, p.Ser305= (NM_001406620.1, NM_001406625.1, NM_001406621.1 and 2 more transcripts); c.1281T>C, p.Ser427= (NM_001406595.1, NM_001406596.1, NM_001406601.1 and 7 more transcripts); c.1278T>C, p.Ser426= (NM_001406597.1, NM_001406598.1, NM_001406599.1 and 6 more transcripts); c.330T>C, p.Ser110= (NM_001406626.1); c.327T>C, p.Ser109= (NM_001406627.1, NM_001406628.1); and 1 more.
Identifiers: ClinVar variation 4071291 (VCV004071291.1).

ClinVar aggregate classification (germline): Benign (1 of 4 stars; one submission).

Conditions:
Tuberous sclerosis 1 (TSC1). Identifiers: Orphanet 805, MedGen C1854465, MONDO:0008612, OMIM 191100.

Submission:

Myriad Genetics, Inc.
Classification: Benign for Tuberous sclerosis 1. Last evaluated: 2025-04-09. Review status: criteria provided, single submitter. Criteria: Myriad Autosomal Dominant, Autosomal Recessive and X-Linked Classification Criteria (2023). Collection method: clinical testing. Allele origin: unknown.
Comment: This variant is considered benign. This variant is a silent/synonymous amino acid change and it is not expected to impact splicing.